The following is an entry in ClinVar:

ClinVar aggregate classification (germline): Conflicting classifications of pathogenicity. Review status: criteria provided, conflicting classifications (1 of 4 stars). 6 submissions from 6 submitters: Uncertain significance (1); Likely benign (3). 2 of the submissions do not count toward it. Last evaluated 2026-01-29.

Conditions:
ERCC2-related disorder. Also called: ERCC2-related conditions; ERCC2-related condition; ERCC2-related disorders. Identifiers: MedGen CN239291.
Inborn genetic diseases. Identifiers: MedGen C0950123, MeSH D030342.
Xeroderma pigmentosum (XP). Identifiers: Orphanet 910, MedGen C0043346, MONDO:0019600.

Allele frequency attached by ClinVar (database versions not stated): 1000 Genomes Project 30x 0.00016; 1000 Genomes Project 0.00020; gnomAD 0.00021; TOPMed 0.00021; ExAC 0.00022; gnomAD exomes 0.00023; ESP Exome Variant Server 0.00054.
gnomAD v4.1: 481 of 1,607,888 alleles (0.03%); highest among the groups gnomAD compares: Non-Finnish European, 0.039%; 2 homozygotes.

Submissions (6):

Labcorp Genetics (formerly Invitae), Labcorp
Classification: Likely benign. Last evaluated: 2026-01-29. Review status: criteria provided, single submitter. Criteria: Invitae Variant Classification Sherloc (09022015). Collection method: clinical testing. Allele origin: germline.

Blueprint Genetics
Classification: Likely benign. Last evaluated: 2024-10-28. Review status: criteria provided, single submitter. Criteria: ACMG Guidelines, 2015. Collection method: clinical testing. Allele origin: germline.

Ambry Genetics
Classification: Uncertain significance for Inborn genetic diseases. Last evaluated: 2021-11-16. Review status: criteria provided, single submitter. Criteria: Ambry Variant Classification Scheme 2023. Collection method: clinical testing. Allele origin: germline.
Comment: The c.1119-5G>A intronic alteration consists of a G to A substitution 5 nucleotides before exon 12 of the ERCC2 gene. Based on insufficient or conflicting evidence, the clinical significance of this alteration remains unclear.

Sema4
Classification: Likely benign for Xeroderma pigmentosum. Last evaluated: 2021-05-17. Review status: criteria provided, single submitter. Criteria: Sema4 Curation Guidelines. Collection method: curation. Allele origin: germline.

PreventionGenetics, part of Exact Sciences
Classification: Likely benign for ERCC2-related condition. Last evaluated: 2019-11-04. Review status: no assertion criteria provided. Collection method: clinical testing. Allele origin: germline. Not counted in ClinVar's aggregate classification.
Comment: This variant is classified as likely benign based on ACMG/AMP sequence variant interpretation guidelines (Richards et al. 2015 PMID: 25741868, with internal and published modifications).

ITMI
No classification provided. Condition: AllHighlyPenetrant. Last evaluated: 2013-09-19. Review status: no classification provided. Collection method: reference population. Allele origin: germline. Not counted in ClinVar's aggregate classification.
Comment: Please see associated publication for description of ethnicities

Literature cited by the submitters: PubMed 24728327 (cited by ITMI).

NM_000400.4(ERCC2):c.1119-5G>A

Gene: ERCC2 (ERCC excision repair 2, TFIIH core complex helicase subunit; minus strand). Cytogenetic location: 19q13.32.
Variant type: single nucleotide variant.
Coding change: c.1119-5G>A on transcript NM_000400.4 (MANE Select); 5 bases into the intron before coding-DNA position 1119, G replaced by A.
Molecular consequence: intron variant.
Genome position (GRCh38, 1-based): chr19:45,361,647, C>T on the plus strand (G>A on the coding strand, the complement: ERCC2 is on the minus strand). VCF-style: chr19-45361647-C-T. GRCh37 (hg19) VCF-style: chr19-45864905-C-T.
Other names: c.1047-5G>A (NM_001130867.2).
Identifiers: ClinVar variation 135523 (VCV000135523.16), dbSNP rs369538318, ClinGen allele CA162980.